The following is an entry in ClinVar:

ClinVar aggregate classification (germline): Uncertain significance (1 of 4 stars; one submission).

Conditions:
Hereditary cancer-predisposing syndrome. Also called: Neoplastic Syndromes, Hereditary; Tumor predisposition; Hereditary Cancer Syndrome; Hereditary neoplastic syndrome. Identifiers: Orphanet 140162, MedGen C0027672, MeSH D009386, MONDO:0015356.

Allele frequency attached by ClinVar (database versions not stated): ExAC 0.00001.

Submission:

Ambry Genetics
Classification: Uncertain significance for Hereditary cancer-predisposing syndrome. Last evaluated: 2025-02-02. Review status: criteria provided, single submitter. Criteria: Ambry Variant Classification Scheme 2023. Collection method: clinical testing. Allele origin: germline.
Comment: The p.D127G variant (also known as c.380A>G), located in coding exon 1 of the CDKN1B gene, results from an A to G substitution at nucleotide position 380. The aspartic acid at codon 127 is replaced by glycine, an amino acid with similar properties. This amino acid position is well conserved in available vertebrate species. In addition, the in silico prediction for this alteration is inconclusive. Since supporting evidence is limited at this time, the clinical significance of this alteration remains unclear.

NM_004064.5(CDKN1B):c.380A>G (p.Asp127Gly)

Gene: CDKN1B (cyclin dependent kinase inhibitor 1B; plus strand). Cytogenetic location: 12p13.1.
Variant type: single nucleotide variant.
Coding change: c.380A>G on transcript NM_004064.5 (MANE Select); coding-DNA position 380, A replaced by G.
Protein change: p.Asp127Gly; replaces aspartic acid 127 with glycine.
Molecular consequence: missense variant.
Genome position (GRCh38, 1-based): chr12:12,718,219, A>G. VCF-style: chr12-12718219-A-G. GRCh37 (hg19) VCF-style: chr12-12871153-A-G.
Other names: short protein forms D127G.
Identifiers: ClinVar variation 1735126 (VCV001735126.4), dbSNP rs749978498, ClinGen allele CA6457481.